The following is an entry in ClinVar:

ClinVar aggregate classification (germline): Uncertain significance. Review status: criteria provided, multiple submitters, no conflicts (2 of 4 stars). 6 submissions from 6 submitters: Uncertain significance (6). Last evaluated 2026-01-25.

Conditions:
Cardiovascular phenotype. Identifiers: MedGen CN230736.
FHL1-related disorder. Also called: FHL1-related disorders; FHL1-related condition.
X-linked myopathy with postural muscle atrophy. Also called: FHL1-Related Emery-Dreifuss Muscular Dystrophy, X-Linked. Identifiers: Orphanet 178461, MedGen C2678055, MONDO:0010401, OMIM 300696.

Allele frequency attached by ClinVar (database versions not stated): TOPMed 0.00002.

Submissions (6):

Labcorp Genetics (formerly Invitae), Labcorp
Classification: Uncertain significance for X-linked myopathy with postural muscle atrophy. Last evaluated: 2026-01-25. Review status: criteria provided, single submitter. Criteria: Invitae Variant Classification Sherloc (09022015). Collection method: clinical testing. Allele origin: germline.
Comment: This sequence change replaces cysteine, which is neutral and slightly polar, with tryptophan, which is neutral and slightly polar, at codon 162 of the FHL1 protein (p.Cys162Trp). This variant is not present in population databases (gnomAD no frequency). This variant has not been reported in the literature in individuals affected with FHL1-related conditions. ClinVar contains an entry for this variant (Variation ID: 286484). An algorithm developed to predict the effect of missense changes on protein structure and function (PolyPhen-2) suggests that this variant is likely to be disruptive. In summary, the available evidence is currently insufficient to determine the role of this variant in disease. Therefore, it has been classified as a Variant of Uncertain Significance.

Ambry Genetics
Classification: Uncertain significance for Cardiovascular phenotype. Last evaluated: 2025-08-12. Review status: criteria provided, single submitter. Criteria: Ambry Variant Classification Scheme 2023. Collection method: clinical testing. Allele origin: germline.
Comment: The p.C162W variant (also known as c.486C>G), located in coding exon 3 of the FHL1 gene, results from a C to G substitution at nucleotide position 486. The cysteine at codon 162 is replaced by tryptophan, an amino acid with highly dissimilar properties. This amino acid position is highly conserved in available vertebrate species. In addition, this alteration is predicted to be deleterious by in silico analysis. Since supporting evidence is limited at this time, the clinical significance of this alteration remains unclear.

Revvity Omics, Revvity
Classification: Uncertain significance. Last evaluated: 2022-11-21. Review status: criteria provided, single submitter. Criteria: ACMG Guidelines, 2015. Collection method: clinical testing. Allele origin: germline.

GeneDx
Classification: Uncertain significance. Last evaluated: 2022-06-22. Review status: criteria provided, single submitter. Criteria: GeneDx Variant Classification Process June 2021. Collection method: clinical testing. Allele origin: germline. Affected: yes.
Comment: Has not been previously published as pathogenic or benign to our knowledge; Not observed in large population cohorts (gnomAD); In silico analysis supports that this missense variant has a deleterious effect on protein structure/function

Illumina Laboratory Services, Illumina
Classification: Uncertain significance for FHL1-related disorders. Last evaluated: 2021-07-29. Review status: criteria provided, single submitter. Criteria: ICSLVariantClassificationCriteria RUGD 01 April 2020. Collection method: clinical testing. Allele origin: unknown.
Comment: The FHL1 c.486C>G (p.Cys162Trp) variant is a missense variant. A literature search was performed for the gene, cDNA change, and amino acid change. No publications were found based on this search. This variant is not found in version 2.1.1 or version 3.1.1 of the Genome Aggregation Database despite its location in a region of good sequencing coverage, which suggest that the variant is rare. The p.Cys162Trp variant lies within the LIM zinc-binding 3 domain of the protein and affects one of the conserved cysteine residues critical for binding zinc ions (Wei et al. 2020). Based on the available evidence, the p.Cys162Trp variant is classified as a variant of uncertain significance for FHL1-related disorders.

Eurofins Ntd Llc (ga)
Classification: Uncertain significance. Last evaluated: 2016-03-01. Review status: criteria provided, single submitter. Criteria: EGL Classification Definitions 2015. Collection method: clinical testing. Allele origin: germline. Observed: 1 variant allele, 1 hemizygote.

Literature cited by the submitters: PubMed 32587768 (cited by Illumina Laboratory Services, Illumina).

NM_001159699.2(FHL1):c.534C>G (p.Cys178Trp)

Gene: FHL1 (four and a half LIM domains 1; plus strand). Cytogenetic location: Xq26.3.
Variant type: single nucleotide variant.
Coding change: c.534C>G on transcript NM_001159699.2 (MANE Select); coding-DNA position 534, C replaced by G.
Protein change: p.Cys178Trp; replaces cysteine 178 with tryptophan.
Molecular consequence: missense variant. On other transcripts: non-coding transcript variant (1).
Genome position (GRCh38, 1-based): chrX:136,207,946, C>G. VCF-style: chrX-136207946-C-G. GRCh37 (hg19) VCF-style: chrX-135290105-C-G.
Other names: c.486C>G, p.Cys162Trp (NM_001159700.2, NM_001159702.3, NM_001159703.2 and 9 more transcripts); c.573C>G, p.Cys191Trp (NM_001159701.2); c.534C>G, p.Cys178Trp (NM_001330659.2); short protein forms C162W, C178W, C191W.
Identifiers: ClinVar variation 286484 (VCV000286484.24), dbSNP rs377693754, ClinGen allele CA10605481.